The following is an entry in ClinVar:

ClinVar aggregate classification (germline): Uncertain significance (1 of 4 stars; one submission).

Submission:

Labcorp Genetics (formerly Invitae), Labcorp
Classification: Uncertain significance. Last evaluated: 2022-10-17. Review status: criteria provided, single submitter. Criteria: Invitae Variant Classification Sherloc (09022015). Collection method: clinical testing. Allele origin: germline.
Comment: Advanced modeling of protein sequence and biophysical properties (such as structural, functional, and spatial information, amino acid conservation, physicochemical variation, residue mobility, and thermodynamic stability) performed at Invitae indicates that this missense variant is not expected to disrupt ERBB2 protein function. This variant has not been reported in the literature in individuals affected with ERBB2-related conditions. This variant is not present in population databases (gnomAD no frequency). This sequence change replaces glutamine, which is neutral and polar, with arginine, which is basic and polar, at codon 78 of the ERBB2 protein (p.Gln78Arg). In summary, the available evidence is currently insufficient to determine the role of this variant in disease. Therefore, it has been classified as a Variant of Uncertain Significance.

NM_004448.4(ERBB2):c.233A>G (p.Gln78Arg)

Gene: ERBB2 (erb-b2 receptor tyrosine kinase 2; plus strand). Cytogenetic location: 17q12.
Variant type: single nucleotide variant.
Coding change: c.233A>G on transcript NM_004448.4 (MANE Select); coding-DNA position 233, A replaced by G.
Protein change: p.Gln78Arg; replaces glutamine 78 with arginine.
Molecular consequence: missense variant. On other transcripts: non-coding transcript variant (1), splice acceptor variant (1), intron variant (1).
Genome position (GRCh38, 1-based): chr17:39,708,328, A>G. VCF-style: chr17-39708328-A-G. GRCh37 (hg19) VCF-style: chr17-37864581-A-G.
Other names: c.233A>G, p.Gln78Arg (NM_001382798.1, NM_001382799.1, NM_001382800.1 and 19 more transcripts); c.226-2A>G (NM_001382791.1); c.74-3600A>G (NM_001382804.1); c.143A>G, p.Gln48Arg (NM_001005862.3, NM_001289938.2, NM_001382782.1 and 1 more transcripts); c.188A>G, p.Gln63Arg (NM_001289936.2); short protein forms Q78R, Q48R, Q63R.
Identifiers: ClinVar variation 2181444 (VCV002181444.4), dbSNP rs2145437000, ClinGen allele CA399271635.